The following is an entry in ClinVar:

ClinVar aggregate classification (germline): Uncertain significance. Review status: criteria provided, multiple submitters, no conflicts (2 of 4 stars). 2 submissions from 2 submitters: Uncertain significance (2). Last evaluated 2025-06-23.

Conditions:
SAMD9-related disorder. Also called: SAMD9-related condition.

Allele frequency attached by ClinVar (database versions not stated): ExAC 0.00001; gnomAD exomes 0.00001; TOPMed 0.00002; gnomAD 0.00003; 1000 Genomes Project 30x 0.00016; 1000 Genomes Project 0.00020.
gnomAD v4.1: 26 of 1,613,758 alleles (0.0016%); highest among the groups gnomAD compares: Admixed American, 0.0033%; no homozygotes.

Submissions (2):

PreventionGenetics, part of Exact Sciences
Classification: Uncertain significance for SAMD9-related condition. Last evaluated: 2025-06-23. Review status: criteria provided, single submitter. Criteria: ACMG Guidelines, 2015. Collection method: clinical testing. Allele origin: germline.
Comment: The SAMD9 c.4450G>A variant is predicted to result in the amino acid substitution p.Gly1484Arg. To our knowledge, this variant has not been reported in the literature. This variant is reported in 0.0047% of alleles in individuals of European (non-Finnish) descent in gnomAD. At this time, the clinical significance of this variant is uncertain due to the absence of conclusive functional and genetic evidence.

Labcorp Genetics (formerly Invitae), Labcorp
Classification: Uncertain significance. Last evaluated: 2024-09-17. Review status: criteria provided, single submitter. Criteria: Invitae Variant Classification Sherloc (09022015). Collection method: clinical testing. Allele origin: germline.
Comment: This sequence change replaces glycine, which is neutral and non-polar, with arginine, which is basic and polar, at codon 1484 of the SAMD9 protein (p.Gly1484Arg). This variant is present in population databases (rs576323214, gnomAD 0.004%). This variant has not been reported in the literature in individuals affected with SAMD9-related conditions. ClinVar contains an entry for this variant (Variation ID: 1923749). Invitae Evidence Modeling of protein sequence and biophysical properties (such as structural, functional, and spatial information, amino acid conservation, physicochemical variation, residue mobility, and thermodynamic stability) has been performed for this missense variant. However, the output from this modeling did not meet the statistical confidence thresholds required to predict the impact of this variant on SAMD9 protein function. In summary, the available evidence is currently insufficient to determine the role of this variant in disease. Therefore, it has been classified as a Variant of Uncertain Significance.

NM_017654.4(SAMD9):c.4450G>A (p.Gly1484Arg)

Gene: SAMD9 (sterile alpha motif domain containing 9; minus strand). Cytogenetic location: 7q21.2.
Variant type: single nucleotide variant.
Coding change: c.4450G>A on transcript NM_017654.4 (MANE Select); coding-DNA position 4450, G replaced by A.
Protein change: p.Gly1484Arg; replaces glycine 1484 with arginine.
Molecular consequence: missense variant.
Genome position (GRCh38, 1-based): chr7:93,101,648, C>T on the plus strand (G>A on the coding strand, the complement: SAMD9 is on the minus strand). VCF-style: chr7-93101648-C-T. GRCh37 (hg19) VCF-style: chr7-92730961-C-T.
Other names: c.4450G>A (NM_017654.3); c.4450G>A, p.Gly1484Arg (NM_001193307.2); short protein forms G1484R.
Identifiers: ClinVar variation 1923749 (VCV001923749.6), dbSNP rs576323214, ClinGen allele CA4342548.